The following is an entry in ClinVar:

NM_000059.4(BRCA2):c.1411G>T (p.Glu471Ter)

Gene: BRCA2 (BRCA2 DNA repair associated; plus strand). Cytogenetic location: 13q13.1.
Variant type: single nucleotide variant.
Coding change: c.1411G>T on transcript NM_000059.4 (MANE Select); coding-DNA position 1411, G replaced by T.
Protein change: p.Glu471Ter; replaces glutamic acid 471 with a stop codon.
Molecular consequence: nonsense.
Genome position (GRCh38, 1-based): chr13:32,332,889, G>T. VCF-style: chr13-32332889-G-T. GRCh37 (hg19) VCF-style: chr13-32907026-G-T.
Other names: p.E471*:GAG>TAG; short protein forms E471*.
Identifiers: ClinVar variation 51120 (VCV000051120.46), dbSNP rs80358428, ClinGen allele CA011958.

ClinVar aggregate classification (germline): Pathogenic. Review status: reviewed by expert panel (3 of 4 stars). 14 submissions from 14 submitters: Pathogenic (1). 13 of the submissions do not count toward it. Last evaluated 2016-09-08.

Conditions:
Gastric cancer. Also called: Stomach cancer; Malignant tumor of stomach. Identifiers: MedGen C0024623, MeSH D013274, MONDO:0001056, OMIM 613659, HP:0012126.
Hereditary cancer-predisposing syndrome. Also called: Neoplastic Syndromes, Hereditary; Tumor predisposition; Hereditary Cancer Syndrome; Hereditary neoplastic syndrome. Identifiers: Orphanet 140162, MedGen C0027672, MeSH D009386, MONDO:0015356.
Hereditary breast ovarian cancer syndrome. Also called: Hereditary breast and/or ovarian cancer syndrome; Hereditary breast and ovarian cancer syndrome; Hereditary breast and ovarian cancer; Hereditary breast and ovarian cancer syndrome (HBOC); Breast and ovarian cancer; BRCA1- and BRCA2-Associated Hereditary Breast and Ovarian Cancer. Identifiers: Orphanet 145, MedGen C0677776, MeSH D061325, MONDO:0003582. Disease mechanism: loss of function.
Breast-ovarian cancer, familial, susceptibility to, 2 (BROVCA2). Also called: BRCA2 Hereditary Breast and Ovarian Cancer. Identifiers: Orphanet 145, MedGen C2675520, MONDO:0012933, OMIM 612555. Disease mechanism: loss of function.
Familial cancer of breast. Also called: Hereditary breast cancer; BREAST CANCER, FAMILIAL; hereditary breast carcinoma. Identifiers: Orphanet 227535, MedGen C0346153, MONDO:0016419, OMIM 114480. Disease mechanism: loss of function.

Submissions (14):

Evidence-based Network for the Interpretation of Germline Mutant Alleles (ENIGMA)
Classification: Pathogenic for Breast-ovarian cancer, familial, susceptibility to, 2. Last evaluated: 2016-09-08. Review status: reviewed by expert panel. Criteria: ENIGMA BRCA1/2 Classification Criteria (2015). Collection method: curation. Allele origin: germline.
Comment: Variant allele predicted to encode a truncated non-functional protein.

CeGaT Center for Human Genetics Tuebingen
Classification: Pathogenic. Last evaluated: 2026-09-01. Review status: criteria provided, single submitter. Criteria: CeGaT Center For Human Genetics Tuebingen Variant Classification Criteria Version 2. Collection method: clinical testing. Allele origin: germline. Affected: yes. Observed: 1 variant allele. Not counted in ClinVar's aggregate classification.
Comment: BRCA2: PVS1, PM2, PS4:Supporting

Quest Diagnostics Nichols Institute San Juan Capistrano
Classification: Pathogenic. Last evaluated: 2025-11-07. Review status: criteria provided, single submitter. Criteria: Quest Diagnostics criteria. Collection method: clinical testing. Allele origin: unknown. Not counted in ClinVar's aggregate classification.
Comment: The BRCA2 c.1411G>T (p.Glu471*) variant causes the premature termination of BRCA2 protein synthesis. This variant has been reported in the published literature in individuals with a personal and/or family history of breast and/or ovarian cancer (PMIDs: 30322717 (2018), 29446198 (2018), 26681312 (2015), and 26023681 (2015)). This variant has not been reported in large, multi-ethnic general populations (Genome Aggregation Database). Based on the available information, this variant is classified as pathogenic .

Labcorp Genetics (formerly Invitae), Labcorp
Classification: Pathogenic for Hereditary breast ovarian cancer syndrome. Last evaluated: 2025-10-09. Review status: criteria provided, single submitter. Criteria: Invitae Variant Classification Sherloc (09022015). Collection method: clinical testing. Allele origin: germline. Not counted in ClinVar's aggregate classification.
Comment: This sequence change creates a premature translational stop signal (p.Glu471*) in the BRCA2 gene. It is expected to result in an absent or disrupted protein product. Loss-of-function variants in BRCA2 are known to be pathogenic (PMID: 20104584). This variant is not present in population databases (gnomAD no frequency). This premature translational stop signal has been observed in individual(s) with ovarian cancer (PMID: 26681312). This variant is also known as c.1638G>T and 1639G>T. ClinVar contains an entry for this variant (Variation ID: 51120). For these reasons, this variant has been classified as Pathogenic.

GeneDx
Classification: Pathogenic. Last evaluated: 2025-05-12. Review status: criteria provided, single submitter. Criteria: GeneDx Variant Classification Process June 2021. Collection method: clinical testing. Allele origin: germline. Affected: yes. Not counted in ClinVar's aggregate classification.
Comment: Nonsense variant predicted to result in protein truncation or nonsense mediated decay in a gene for which loss of function is a known mechanism of disease; Not observed at significant frequency in large population cohorts (gnomAD); Truncating variants in this gene are considered pathogenic by a well-established clinical consortium and/or database; Also known as 1639G>T; This variant is associated with the following publications: (PMID: 26681312, 26023681, 29446198, 31447099, 32853339, 30787465, 30322717)

Ambry Genetics
Classification: Pathogenic for Hereditary cancer-predisposing syndrome. Last evaluated: 2024-06-26. Review status: criteria provided, single submitter. Criteria: Ambry Variant Classification Scheme 2023. Collection method: clinical testing. Allele origin: germline. Not counted in ClinVar's aggregate classification.
Comment: The p.E471* pathogenic mutation (also known as c.1411G>T), located in coding exon 9 of the BRCA2 gene, results from a G to T substitution at nucleotide position 1411. This changes the amino acid from a glutamic acid to a stop codon within coding exon 9. This mutation was identified in a cohort of 4439 women with ovarian cancer undergoing multigene panel testing at one laboratory (Carter NJ et al. Gynecol Oncol, 2018 12;151:481-488). This mutation has also been reported in other cohorts of individuals who underwent BRCA1/2 analysis (Foley SB et al. EBioMedicine, 2015 Jan;2:74-81; Rebbeck TR et al. Hum Mutat, 2018 05;39:593-620). In addition to the clinical data presented in the literature, this alteration is expected to result in loss of function by premature protein truncation or nonsense-mediated mRNA decay. As such, this alteration is interpreted as a disease-causing mutation.

Baylor Genetics
Classification: Pathogenic for Familial cancer of breast. Last evaluated: 2023-01-19. Review status: criteria provided, single submitter. Criteria: ACMG Guidelines, 2015. Collection method: clinical testing. Allele origin: unknown. Not counted in ClinVar's aggregate classification.

Color Diagnostics, LLC DBA Color Health
Classification: Pathogenic for Hereditary cancer-predisposing syndrome. Last evaluated: 2020-01-15. Review status: criteria provided, single submitter. Criteria: ACMG Guidelines, 2015. Collection method: clinical testing. Allele origin: germline. Not counted in ClinVar's aggregate classification.
Comment: This variant changes 1 nucleotide in exon 10 of the BRCA2 gene, creating a premature translation stop signal. This variant is expected to result in an absent or non-functional protein product. This variant has not been identified in the general population by the Genome Aggregation Database (gnomAD). Loss of BRCA2 function is a known mechanism of disease. Based on the available evidence, this variant is classified as Pathogenic.

Revvity Omics, Revvity
Classification: Pathogenic. Last evaluated: 2019-02-15. Review status: criteria provided, single submitter. Criteria: ACMG Guidelines, 2015. Collection method: clinical testing. Allele origin: germline. Not counted in ClinVar's aggregate classification.

Human Genome Sequencing Center Clinical Lab, Baylor College of Medicine
Classification: Pathogenic for Breast-ovarian cancer, familial, susceptibility to, 2. Last evaluated: 2017-08-15. Review status: criteria provided, single submitter. Criteria: ACMG Guidelines, 2015. Collection method: clinical testing. Allele origin: germline. Not counted in ClinVar's aggregate classification.
Comment: This c.1411G>T (p.Glu471*) variant in the BRCA2 gene has been reported in three individuals with breast cancer in the Breast Cancer Information Core (BIC) database. This variant is predicted to cause loss of function of normal protein through mRNA decay or producing a truncated protein, which is a known disease mechanism for this gene. Based on the current evidence, the c.1411G>T (p.Glu471*) variant in the BRCA2 gene is classified as pathogenic.

Consortium of Investigators of Modifiers of BRCA1/2 (CIMBA), c/o University of Cambridge
Classification: Pathogenic for Breast-ovarian cancer, familial, susceptibility to, 2. Last evaluated: 2015-10-02. Review status: criteria provided, single submitter. Criteria: CIMBA Mutation Classification guidelines May 2016. Collection method: clinical testing. Allele origin: germline. Not counted in ClinVar's aggregate classification.

Laboratory for Genotyping Development, RIKEN
Classification: Pathogenic for Gastric cancer. Last evaluated: 2021-07-01. Review status: no assertion criteria provided. Collection method: research. Allele origin: germline. Not counted in ClinVar's aggregate classification.

Research Molecular Genetics Laboratory, Women's College Hospital, University of Toronto
Classification: Pathogenic for Hereditary breast ovarian cancer syndrome. Last evaluated: 2014-01-31. Review status: no assertion criteria provided. Collection method: research. Allele origin: germline. Affected: yes. Study: The Canadian Open Genetics Repository (COGR). Not counted in ClinVar's aggregate classification.

Breast Cancer Information Core (BIC) (BRCA2)
Classification: Pathogenic for Breast-ovarian cancer, familial 2. Last evaluated: 2002-05-29. Review status: no assertion criteria provided. Collection method: clinical testing. Allele origin: germline. Affected: yes. Observed: 3 variant alleles. Not counted in ClinVar's aggregate classification.

Literature cited by the submitters: PubMed 26681312 (cited by Quest Diagnostics Nichols Institute San Juan Capistrano and Labcorp Genetics (formerly Invitae), Labcorp); PubMed 29446198 (cited by Quest Diagnostics Nichols Institute San Juan Capistrano and Ambry Genetics); PubMed 30322717 (cited by Quest Diagnostics Nichols Institute San Juan Capistrano and Ambry Genetics); PubMed 26023681 (cited by Quest Diagnostics Nichols Institute San Juan Capistrano and Ambry Genetics); PubMed 20104584 (cited by Labcorp Genetics (formerly Invitae), Labcorp); PubMed 36988593 (cited by Laboratory for Genotyping Development, RIKEN).